The following is an entry in ClinVar:

ClinVar aggregate classification (germline): Uncertain significance (1 of 4 stars; one submission).

Conditions:
Lynch syndrome. Identifiers: Orphanet 144, MedGen C4552100, MONDO:0005835. Disease mechanism: loss of function.

Submission:

All of Us Research Program, National Institutes of Health
Classification: Uncertain significance for Lynch syndrome. Last evaluated: 2023-07-10. Review status: criteria provided, single submitter. Criteria: ACMG Guidelines, 2015. Collection method: clinical testing. Allele origin: germline. Inheritance: Autosomal dominant inheritance. Observed: 1 variant allele, 1 heterozygote.
Comment: This variant causes a T to G nucleotide substitution at the -5 position of intron 6 of the MSH6 gene. To our knowledge, functional studies have not been reported for this variant. This variant has not been reported in individuals affected with MSH6-related disorders in the literature. This variant has not been identified in the general population by the Genome Aggregation Database (gnomAD). The available evidence is insufficient to determine the role of this variant in disease conclusively. Therefore, this variant is classified as a Variant of Uncertain Significance.

This study involves interpretation of variants in research participants for the purpose of population health screening. Participant phenotype was not available at the time of variant classification. Additional details can be found in publication PMID: 35346344, PMCID: PMC8962531

NM_000179.3(MSH6):c.3557-5T>G

Gene: MSH6 (mutS homolog 6; plus strand). Cytogenetic location: 2p16.3.
Variant type: single nucleotide variant.
Coding change: c.3557-5T>G on transcript NM_000179.3 (MANE Select); 5 bases into the intron before coding-DNA position 3557, T replaced by G.
Molecular consequence: intron variant.
Genome position (GRCh38, 1-based): chr2:47,805,613, T>G. VCF-style: chr2-47805613-T-G. GRCh37 (hg19) VCF-style: chr2-48032752-T-G.
Other names: c.3557-5T>G (NM_001406809.1, NM_001406796.1, NM_001406808.1 and 1 more transcripts); c.2651-5T>G (NM_001406811.1, NM_001406814.1, NM_001281493.2 and 6 more transcripts); c.3260-5T>G (NM_001406805.1, NM_001406797.1, NM_001406801.1 and 10 more transcripts); c.3653-5T>G (NM_001406795.1, NM_001406802.1); c.3563-5T>G (NM_001406813.1); c.3032-5T>G (NM_001406807.1, NM_001406799.1, NM_001406806.1); c.3383-5T>G (NM_001406798.1); c.2693-5T>G (NM_001406803.1); and 7 more.
Identifiers: ClinVar variation 3072355 (VCV003072355.1), dbSNP rs2530820354, ClinGen allele CA2825001130.